The following is an entry in ClinVar:

NM_003906.5(MCM3AP):c.5076C>T (p.Tyr1692=)

Genes: MCM3AP (minichromosome maintenance complex component 3 associated protein; minus strand), MCM3AP-AS1 (MCM3AP antisense RNA 1; plus strand). Cytogenetic location: 21q22.3.
Variant type: single nucleotide variant.
Coding change: c.5076C>T on transcript NM_003906.5 (MANE Select); coding-DNA position 5076, C replaced by T.
Protein change: p.Tyr1692=; no amino-acid change (tyrosine 1692 retained).
Molecular consequence: synonymous variant.
Genome position (GRCh38, 1-based): chr21:46,243,685, G>A on the plus strand (C>T on the coding strand, the complement: MCM3AP is on the minus strand). VCF-style: chr21-46243685-G-A. GRCh37 (hg19) VCF-style: chr21-47663599-G-A.
Identifiers: ClinVar variation 722689 (VCV000722689.17), dbSNP rs376583195, ClinGen allele CA10075952.

ClinVar aggregate classification (germline): Likely benign. Review status: criteria provided, multiple submitters, no conflicts (2 of 4 stars). 3 submissions from 3 submitters: Likely benign (3). Last evaluated 2025-10-07.

Allele frequency attached by ClinVar (database versions not stated): gnomAD exomes 0.00005; TOPMed 0.00005; ExAC 0.00007; ESP Exome Variant Server 0.00008.

Submissions (3):

Labcorp Genetics (formerly Invitae), Labcorp
Classification: Likely benign. Last evaluated: 2025-10-07. Review status: criteria provided, single submitter. Criteria: Invitae Variant Classification Sherloc (09022015). Collection method: clinical testing. Allele origin: germline.

CeGaT Center for Human Genetics Tuebingen
Classification: Likely benign. Last evaluated: 2025-06-01. Review status: criteria provided, single submitter. Criteria: CeGaT Center For Human Genetics Tuebingen Variant Classification Criteria Version 2. Collection method: clinical testing. Allele origin: germline. Affected: yes. Observed: 1 variant allele.
Comment: MCM3AP: BP4, BP7

Breakthrough Genomics
Classification: Likely benign. Review status: criteria provided, single submitter. Criteria: ACMG Guidelines, 2015. Collection method: not provided. Allele origin: germline. Inheritance: Autosomal recessive inheritance. Affected: yes.